The following is an entry in ClinVar:

ClinVar aggregate classification (germline): Conflicting classifications of pathogenicity. Review status: criteria provided, conflicting classifications (1 of 4 stars). 12 submissions from 12 submitters: Uncertain significance (1); Likely benign (7). 4 of the submissions do not count toward it. Last evaluated 2026-09-21.

Conditions:
Cardiovascular phenotype. Identifiers: MedGen CN230736.
HCN4-related disorder. Also called: HCN4-related condition.
Brugada syndrome 8 (BRGDA8). Identifiers: Orphanet 130, MedGen C2751083, MONDO:0013148, OMIM 613123.

Allele frequency attached by ClinVar (database versions not stated): gnomAD exomes 0.00026; gnomAD 0.00044 and 0.00045; 1000 Genomes Project 0.00080; TOPMed 0.00038; ExAC 0.00060; ESP Exome Variant Server 0.00009; 1000 Genomes Project 30x 0.00078.
gnomAD v4.1: 169 of 1,539,942 alleles (0.011%); highest among the groups gnomAD compares: African/African-American, 0.13%; no homozygotes.

Submissions (12):

Molecular Diagnostic Laboratory for Inherited Cardiovascular Disease, Montreal Heart Institute
Classification: Likely benign. Last evaluated: 2026-09-21. Review status: criteria provided, single submitter. Criteria: ACMG Guidelines, 2015. Collection method: clinical testing. Allele origin: germline. Affected: no.
Comment: BS1, BS4

Labcorp Genetics (formerly Invitae), Labcorp
Classification: Likely benign for Brugada syndrome 8. Last evaluated: 2026-02-01. Review status: criteria provided, single submitter. Criteria: Invitae Variant Classification Sherloc (09022015). Collection method: clinical testing. Allele origin: germline.

Mayo Clinic Laboratories, Mayo Clinic
Classification: Likely benign. Last evaluated: 2025-11-17. Review status: criteria provided, single submitter. Criteria: ACMG Guidelines, 2015. Collection method: clinical testing. Allele origin: germline. Observed: 3 variant alleles.
Comment: BS1

Athena Diagnostics
Classification: Likely benign. Last evaluated: 2025-01-28. Review status: criteria provided, single submitter. Criteria: Athena Diagnostics Criteria. Collection method: clinical testing. Allele origin: unknown.
Comment: The frequency of this variant in the general population is higher than would generally be expected for pathogenic variants in this gene.

Blueprint Genetics
Classification: Likely benign. Last evaluated: 2024-09-02. Review status: criteria provided, single submitter. Criteria: ACMG Guidelines, 2015. Collection method: clinical testing. Allele origin: germline.

GeneDx
Classification: Likely benign. Last evaluated: 2020-10-20. Review status: criteria provided, single submitter. Criteria: GeneDx Variant Classification Process June 2021. Collection method: clinical testing. Allele origin: germline. Affected: yes.
Comment: This variant is associated with the following publications: (PMID: 30975432, 27930701)

Ambry Genetics
Classification: Likely benign for Cardiovascular phenotype. Last evaluated: 2020-08-25. Review status: criteria provided, single submitter. Criteria: Ambry Variant Classification Scheme 2023. Collection method: clinical testing. Allele origin: germline.

Eurofins Ntd Llc (ga)
Classification: Uncertain significance. Last evaluated: 2017-10-30. Review status: criteria provided, single submitter. Criteria: EGL Classification Definitions 2015. Collection method: clinical testing. Allele origin: germline. Observed: 1 variant allele, 1 heterozygote.

PreventionGenetics, part of Exact Sciences
Classification: Likely benign for HCN4-related condition. Last evaluated: 2024-04-29. Review status: no assertion criteria provided. Collection method: clinical testing. Allele origin: germline. Not counted in ClinVar's aggregate classification.
Comment: This variant is classified as likely benign based on ACMG/AMP sequence variant interpretation guidelines (Richards et al. 2015 PMID: 25741868, with internal and published modifications).

Clinical Genetics DNA and cytogenetics Diagnostics Lab, Erasmus MC, Erasmus Medical Center
Classification: Uncertain significance. Review status: no assertion criteria provided. Collection method: clinical testing. Allele origin: germline. Affected: yes. Study: VKGL Data-share Consensus. Not counted in ClinVar's aggregate classification.

Clinical Genetics, Academic Medical Center
Classification: Uncertain significance. Review status: no assertion criteria provided. Collection method: clinical testing. Allele origin: germline. Affected: yes. Study: VKGL Data-share Consensus. Not counted in ClinVar's aggregate classification.

Diagnostic Laboratory, Department of Genetics, University Medical Center Groningen
Classification: Uncertain significance. Review status: no assertion criteria provided. Collection method: clinical testing. Allele origin: germline. Affected: yes. Study: VKGL Data-share Consensus. Not counted in ClinVar's aggregate classification.

Literature cited by the submitters: PubMed 30975432 (cited by 3 submitters); PubMed 35932045 (cited by Mayo Clinic Laboratories, Mayo Clinic and Athena Diagnostics); PubMed 30847666 (cited by Athena Diagnostics and Ambry Genetics); PubMed 38691546 (cited by Athena Diagnostics); PubMed 29420653 (cited by Athena Diagnostics); PubMed 27930701 (cited by Athena Diagnostics and Ambry Genetics).

NM_005477.3(HCN4):c.2800C>T (p.Arg934Cys)

Gene: HCN4 (hyperpolarization activated cyclic nucleotide gated potassium channel 4; minus strand). Cytogenetic location: 15q24.1.
Variant type: single nucleotide variant.
Coding change: c.2800C>T on transcript NM_005477.3 (MANE Select); coding-DNA position 2800, C replaced by T.
Protein change: p.Arg934Cys; replaces arginine 934 with cysteine.
Molecular consequence: missense variant.
Genome position (GRCh38, 1-based): chr15:73,323,293, G>A on the plus strand (C>T on the coding strand, the complement: HCN4 is on the minus strand). VCF-style: chr15-73323293-G-A. GRCh37 (hg19) VCF-style: chr15-73615634-G-A.
Other names: p.R934C:CGC>TGC; short protein forms R934C.
Identifiers: ClinVar variation 190774 (VCV000190774.35), dbSNP rs199638465, ClinGen allele CA301952.
Genomic context (GRCh38, chr15:73,323,293, plus strand): 5'-GTCCCAGGCCTCCCCGGGCCCCGGGTGGCGCGGGAGATGGCTGGGCAGCCTGCGGGGAGC[G>A]GGCGCCTGGCTGCAGCGGGGTGAGCAGGGGAGAGTCGGAGGAGGACAGGGAGCCACCCAG-3'
Protein context (NP_005468.1, residues 924-944): PLLTPLQPGA[Arg934Cys]SPQAAQPSPA